The following is an entry in ClinVar:

ClinVar aggregate classification (germline): Benign/Likely benign. Review status: criteria provided, multiple submitters, no conflicts (2 of 4 stars). 25 submissions from 18 submitters: Benign (20); Likely benign (2). 3 of the submissions do not count toward it. Last evaluated 2026-02-04.

Conditions:
Cardiovascular phenotype. Identifiers: MedGen CN230736.
Dilated cardiomyopathy 1G (CMD1G). Identifiers: Orphanet 154, MedGen C1858763, MONDO:0011400, OMIM 604145.
Autosomal recessive limb-girdle muscular dystrophy type 2J (LGMDR10). Also called: Limb-girdle muscular dystrophy, type 2J; MUSCULAR DYSTROPHY, LIMB-GIRDLE, AUTOSOMAL RECESSIVE 10. Identifiers: Orphanet 140922, MedGen C1837342, MONDO:0012127, OMIM 608807.
Cardiomyopathy (CMYO). Also called: Cardiomyopathies. Identifiers: Orphanet 167848, MedGen C0878544, MONDO:0004994, HP:0001638. Inheritance: Various modes of inheritance.
Early-onset myopathy with fatal cardiomyopathy (CMYO5). Also called: CONGENITAL MYOPATHY 5 WITH CARDIOMYOPATHY; Salih Myopathy. Identifiers: Orphanet 289377, MedGen C2673677, MONDO:0012714, OMIM 611705. Disease mechanism: loss of function.
Myopathy, myofibrillar, 9, with early respiratory failure (MFM9). Also called: MYOPATHY, PROXIMAL, WITH EARLY RESPIRATORY MUSCLE INVOLVEMENT; Myopathy, distal, with early respiratory failure, autosomal dominant; Hereditary myopathy with early respiratory failure; EDSTROM MYOPATHY. Identifiers: Orphanet 178464, Orphanet 34521, MedGen C1863599, MONDO:0011362, OMIM 603689.
Tibial muscular dystrophy (TMD). Also called: Tibial muscular dystrophy, tardive; UDD MYOPATHY; Udd Distal Myopathy – Tibial Muscular Dystrophy. Identifiers: Orphanet 609, MedGen C1838244, MONDO:0010870, OMIM 600334.

Allele frequency attached by ClinVar (database versions not stated): gnomAD exomes 0.00111 and 0.00315; ExAC 0.00391; gnomAD 0.01195; TOPMed 0.01371; ESP Exome Variant Server 0.01384; 1000 Genomes Project 30x 0.01390; 1000 Genomes Project 0.01398.
gnomAD v4.1: 3,616 of 1,614,118 alleles (0.22%); highest among the groups gnomAD compares: African/African-American, 4.2%; 82 homozygotes.

Submissions (25):

Labcorp Genetics (formerly Invitae), Labcorp
Classification: Benign for Dilated cardiomyopathy 1G; Autosomal recessive limb-girdle muscular dystrophy type 2J. Last evaluated: 2026-02-04. Review status: criteria provided, single submitter. Criteria: Invitae Variant Classification Sherloc (09022015). Collection method: clinical testing. Allele origin: germline.

ARUP Laboratories, Molecular Genetics and Genomics, ARUP Laboratories
Classification: Benign. Last evaluated: 2025-07-01. Review status: criteria provided, single submitter. Criteria: ARUP Molecular Germline Variant Investigation Process 2024. Collection method: clinical testing. Allele origin: germline.

Molecular Diagnostic Laboratory for Inherited Cardiovascular Disease, Montreal Heart Institute
Classification: Benign. Last evaluated: 2025-04-09. Review status: criteria provided, single submitter. Criteria: ACMG Guidelines, 2015. Collection method: clinical testing. Allele origin: germline. Affected: no.

Athena Diagnostics
Classification: Benign. Last evaluated: 2025-02-21. Review status: criteria provided, single submitter. Criteria: Athena Diagnostics Criteria. Collection method: clinical testing. Allele origin: unknown.
Comment: The frequency of this variant in the general population is higher than would generally be expected for pathogenic variants in this gene.

Mayo Clinic Laboratories, Mayo Clinic
Classification: Benign. Last evaluated: 2021-10-27. Review status: criteria provided, single submitter. Criteria: ACMG Guidelines, 2015. Collection method: clinical testing. Allele origin: germline. Observed: 18 variant alleles.
Comment: BS1, BS2, BP4

Genome-Nilou Lab
Classification: Benign for Autosomal recessive limb-girdle muscular dystrophy type 2J. Last evaluated: 2021-09-10. Review status: criteria provided, single submitter. Criteria: ACMG Guidelines, 2015. Collection method: clinical testing. Allele origin: germline. Affected: no.

Genome-Nilou Lab
Classification: Benign for Myopathy, myofibrillar, 9, with early respiratory failure. Last evaluated: 2021-09-10. Review status: criteria provided, single submitter. Criteria: ACMG Guidelines, 2015. Collection method: clinical testing. Allele origin: germline. Affected: no.

Genome-Nilou Lab
Classification: Benign for Early-onset myopathy with fatal cardiomyopathy. Last evaluated: 2021-09-10. Review status: criteria provided, single submitter. Criteria: ACMG Guidelines, 2015. Collection method: clinical testing. Allele origin: germline. Affected: no.

Genome-Nilou Lab
Classification: Benign for Tibial muscular dystrophy. Last evaluated: 2021-09-10. Review status: criteria provided, single submitter. Criteria: ACMG Guidelines, 2015. Collection method: clinical testing. Allele origin: germline. Affected: no.

Women's Health and Genetics/Laboratory Corporation of America, LabCorp
Classification: Benign. Last evaluated: 2019-11-06. Review status: criteria provided, single submitter. Criteria: LabCorp Variant Classification Summary - May 2015. Collection method: clinical testing. Allele origin: germline.
Comment: Variant summary: TTN c.1003G>A (p.Val335Met) results in a conservative amino acid change located in the Z-disk region of the encoded protein sequence. Five of five in-silico tools predict a benign effect of the variant on protein function. The variant allele was found at a frequency of 0.0032 in 251030 control chromosomes, predominantly at a frequency of 0.044 within the African or African-American subpopulation in the gnomAD database (exome dataset), including 22 homozygotes. The observed variant frequency within African or African-American control individuals in the gnomAD database is approximately 70- fold the estimated maximal expected allele frequency for a pathogenic variant in TTN causing Cardiomyopathy phenotype (0.00063), strongly suggesting that the variant is a benign polymorphism found primarily in populations of African or African-American origin. To our knowledge, no occurrence of c.1003G>A in individuals affected with Cardiomyopathy and no experimental evidence demonstrating its impact on protein function have been reported. Co-occurrence with another pathogenic variant has been reported (TTR c.424G>A, p.Val142Ile; internal sample), providing supporting evidence for a benign role. Three clinical diagnostic laboratories have submitted clinical-significance assessments for this variant to ClinVar after 2014 without evidence for independent evaluation. All laboratories cited the variant as benign/likely benign. Based on the evidence outlined above, the variant was classified as benign.

Illumina Laboratory Services, Illumina
Classification: Benign for Early-onset myopathy with fatal cardiomyopathy. Last evaluated: 2018-01-13. Review status: criteria provided, single submitter. Criteria: ICSL Variant Classification Criteria 13 December 2019. Collection method: clinical testing. Allele origin: germline.
Comment: This variant was observed in the ICSL laboratory as part of a predisposition screen in an ostensibly healthy population. It had not been previously curated by ICSL or reported in the Human Gene Mutation Database (HGMD: prior to June 1st, 2018), and was therefore a candidate for classification through an automated scoring system. Utilizing variant allele frequency, disease prevalence and penetrance estimates, and inheritance mode, an automated score was calculated to assess if this variant is too frequent to cause the disease. Based on the score and internal cut-off values, a variant classified as benign is not then subjected to further curation. The score for this variant resulted in a classification of benign for this disease.

Illumina Laboratory Services, Illumina
Classification: Benign for Tibial muscular dystrophy. Last evaluated: 2018-01-13. Review status: criteria provided, single submitter. Criteria: ICSL Variant Classification Criteria 13 December 2019. Collection method: clinical testing. Allele origin: germline.
Comment: the same text as in the submission from Illumina Laboratory Services, Illumina above.

Illumina Laboratory Services, Illumina
Classification: Benign for Autosomal recessive limb-girdle muscular dystrophy type 2J. Last evaluated: 2018-01-13. Review status: criteria provided, single submitter. Criteria: ICSL Variant Classification Criteria 13 December 2019. Collection method: clinical testing. Allele origin: germline.
Comment: the same text as in the submission from Illumina Laboratory Services, Illumina above.

Illumina Laboratory Services, Illumina
Classification: Likely benign for Dilated cardiomyopathy 1G. Last evaluated: 2018-01-13. Review status: criteria provided, single submitter. Criteria: ICSL Variant Classification Criteria 13 December 2019. Collection method: clinical testing. Allele origin: germline.
Comment: This variant was observed in the ICSL laboratory as part of a predisposition screen in an ostensibly healthy population. It had not been previously curated by ICSL or reported in the Human Gene Mutation Database (HGMD: prior to June 1st, 2018), and was therefore a candidate for classification through an automated scoring system. Utilizing variant allele frequency, disease prevalence and penetrance estimates, and inheritance mode, an automated score was calculated to assess if this variant is too frequent to cause the disease. Based on the score and internal cut-off values, a variant classified as likely benign is not then subjected to further curation. The score for this variant resulted in a classification of likely benign for this disease.

Illumina Laboratory Services, Illumina
Classification: Benign for Myopathy, myofibrillar, 9, with early respiratory failure. Last evaluated: 2018-01-13. Review status: criteria provided, single submitter. Criteria: ICSL Variant Classification Criteria 13 December 2019. Collection method: clinical testing. Allele origin: germline.
Comment: the same text as in the submission from Illumina Laboratory Services, Illumina above.

CHEO Genetics Diagnostic Laboratory, Children's Hospital of Eastern Ontario
Classification: Benign for Cardiomyopathy. Last evaluated: 2016-03-03. Review status: criteria provided, single submitter. Criteria: ACMG Guidelines, 2015. Collection method: clinical testing. Allele origin: germline. Study: Canadian Open Genetics Repository.

GeneDx
Classification: Benign. Last evaluated: 2014-04-07. Review status: criteria provided, single submitter. Criteria: GeneDx Variant Classification (06012015). Collection method: clinical testing. Allele origin: germline. Affected: yes.
Comment: This variant is considered likely benign or benign based on one or more of the following criteria: it is a conservative change, it occurs at a poorly conserved position in the protein, it is predicted to be benign by multiple in silico algorithms, and/or has population frequency not consistent with disease.

Genetic Services Laboratory, University of Chicago
Classification: Benign for AllHighlyPenetrant. Last evaluated: 2013-08-15. Review status: criteria provided, single submitter. Criteria: ACMG Guidelines, 2007. Collection method: clinical testing. Allele origin: germline.

Biesecker Lab/Clinical Genomics Section, National Institutes of Health
Classification: Benign. Last evaluated: 2013-06-24. Review status: criteria provided, single submitter. Criteria: Ng et al. (Circ Cardiovasc Genet. 2013). Collection method: research. Allele origin: unknown. Observed: 1 variant allele. Study: ClinSeq.
Comment: The study set was not selected for affection status in relation to any cancer. Pathogenicity categories were based on literature curation. See Pubmed ID:23861362 for details.

Medical sequencing

Ambry Genetics
Classification: Benign for Cardiovascular phenotype. Last evaluated: 2013-01-16. Review status: criteria provided, single submitter. Criteria: Ambry Autosomal Dominant and X-Linked criteria (10/2015). Collection method: clinical testing. Allele origin: germline. Observed: 1 variant allele.

Laboratory for Molecular Medicine, Mass General Brigham Personalized Medicine
Classification: Benign. Last evaluated: 2012-07-31. Review status: criteria provided, single submitter. Criteria: LMM Criteria. Collection method: clinical testing. Allele origin: germline. Observed: 23 variant alleles.

Breakthrough Genomics
Classification: Likely benign. Review status: criteria provided, single submitter. Criteria: ACMG Guidelines, 2015. Collection method: not provided. Allele origin: germline. Inheritance: Autosomal recessive inheritance. Affected: yes.

Clinical Genetics DNA and cytogenetics Diagnostics Lab, Erasmus MC, Erasmus Medical Center
Classification: Benign. Review status: no assertion criteria provided. Collection method: clinical testing. Allele origin: germline. Affected: yes. Study: VKGL Data-share Consensus. Not counted in ClinVar's aggregate classification.

Clinical Genetics, Academic Medical Center
Classification: Benign. Review status: no assertion criteria provided. Collection method: clinical testing. Allele origin: germline. Affected: yes. Study: VKGL Data-share Consensus. Not counted in ClinVar's aggregate classification.

Laboratory of Diagnostic Genome Analysis, Leiden University Medical Center (LUMC)
Classification: Likely benign. Review status: no assertion criteria provided. Collection method: clinical testing. Allele origin: germline. Affected: yes. Study: VKGL Data-share Consensus. Not counted in ClinVar's aggregate classification.

Literature cited by the submitters: PubMed 23861362 (cited by Athena Diagnostics).

NM_001267550.2(TTN):c.1003G>A (p.Val335Met)

Gene: TTN (titin; minus strand). Cytogenetic location: 2q31.2.
Variant type: single nucleotide variant.
Coding change: c.1003G>A on transcript NM_001267550.2 (MANE Select); coding-DNA position 1003, G replaced by A.
Protein change: p.Val335Met; replaces valine 335 with methionine.
Molecular consequence: missense variant.
Genome position (GRCh38, 1-based): chr2:178,795,164, C>T on the plus strand (G>A on the coding strand, the complement: TTN is on the minus strand). VCF-style: chr2-178795164-C-T. GRCh37 (hg19) VCF-style: chr2-179659891-C-T.
Other names: p.V335M:GTG>ATG; c.1003G>A, p.Val335Met (NM_003319.4, NM_133379.5, NM_133432.3 and 3 more transcripts); c.1003G>A (NM_001267550.1); short protein forms V335M.
Identifiers: ClinVar variation 46576 (VCV000046576.39), dbSNP rs72647846, ClinGen allele CA282625.